The following is an entry in ClinVar:

NM_022100.3(MRPS14):c.108C>T (p.Arg36=)

Gene: MRPS14 (mitochondrial ribosomal protein S14; minus strand). Cytogenetic location: 1q25.1.
Variant type: single nucleotide variant.
Coding change: c.108C>T on transcript NM_022100.3 (MANE Select); coding-DNA position 108, C replaced by T.
Protein change: p.Arg36=; no amino-acid change (arginine 36 retained).
Molecular consequence: synonymous variant. On other transcripts: non-coding transcript variant (1).
Genome position (GRCh38, 1-based): chr1:175,018,514, G>A on the plus strand (C>T on the coding strand, the complement: MRPS14 is on the minus strand). VCF-style: chr1-175018514-G-A. GRCh37 (hg19) VCF-style: chr1-174987650-G-A.
Other names: c.108C>T (NM_022100.2).
Identifiers: ClinVar variation 2044051 (VCV002044051.7), dbSNP rs61753789, ClinGen allele CA1253691.

ClinVar aggregate classification (germline): Benign/Likely benign. Review status: criteria provided, multiple submitters, no conflicts (2 of 4 stars). 3 submissions from 3 submitters: Benign (1); Likely benign (1). 1 of the submissions does not count toward it. Last evaluated 2026-01-11.

Conditions:
MRPS14-related disorder. Also called: MRPS14-related condition.

Allele frequency attached by ClinVar (database versions not stated): ExAC 0.00080; gnomAD 0.00263; TOPMed 0.00275; ESP Exome Variant Server 0.00300; 1000 Genomes Project 0.00359; 1000 Genomes Project 30x 0.00390.
gnomAD v4.1: 806 of 1,612,474 alleles (0.05%); highest among the groups gnomAD compares: African/African-American, 0.94%; 5 homozygotes.

Submissions (3):

Labcorp Genetics (formerly Invitae), Labcorp
Classification: Benign. Last evaluated: 2026-01-11. Review status: criteria provided, single submitter. Criteria: Invitae Variant Classification Sherloc (09022015). Collection method: clinical testing. Allele origin: germline.

Blueprint Genetics
Classification: Likely benign. Last evaluated: 2024-11-25. Review status: criteria provided, single submitter. Criteria: ACMG Guidelines, 2015. Collection method: clinical testing. Allele origin: germline.

PreventionGenetics, part of Exact Sciences
Classification: Benign for MRPS14-related condition. Last evaluated: 2020-03-30. Review status: no assertion criteria provided. Collection method: clinical testing. Allele origin: germline. Not counted in ClinVar's aggregate classification.
Comment: This variant is classified as benign based on ACMG/AMP sequence variant interpretation guidelines (Richards et al. 2015 PMID: 25741868, with internal and published modifications).